The following is an entry in ClinVar:

NM_018026.4(PACS1):c.1661A>G (p.Gln554Arg)

Gene: PACS1 (phosphofurin acidic cluster sorting protein 1; plus strand). Cytogenetic location: 11q13.2.
Variant type: single nucleotide variant.
Coding change: c.1661A>G on transcript NM_018026.4 (MANE Select); coding-DNA position 1661, A replaced by G.
Protein change: p.Gln554Arg; replaces glutamine 554 with arginine.
Molecular consequence: missense variant.
Genome position (GRCh38, 1-based): chr11:66,232,206, A>G. VCF-style: chr11-66232206-A-G. GRCh37 (hg19) VCF-style: chr11-65999677-A-G.
Other names: short protein forms Q554R.
Identifiers: ClinVar variation 2848895 (VCV002848895.3), dbSNP rs2495584745, ClinGen allele CA381369124.

ClinVar aggregate classification (germline): Uncertain significance (1 of 4 stars; one submission).

Conditions:
Schuurs-Hoeijmakers syndrome. Also called: PACS1-Related Neurodevelopmental Disorder. Identifiers: Orphanet 329224, MedGen C3554343, MONDO:0014006, OMIM 615009.

Submission:

Labcorp Genetics (formerly Invitae), Labcorp
Classification: Uncertain significance for Schuurs-Hoeijmakers syndrome. Last evaluated: 2023-03-23. Review status: criteria provided, single submitter. Criteria: Invitae Variant Classification Sherloc (09022015). Collection method: clinical testing. Allele origin: germline.
Comment: This sequence change replaces glutamine, which is neutral and polar, with arginine, which is basic and polar, at codon 554 of the PACS1 protein (p.Gln554Arg). This variant is not present in population databases (gnomAD no frequency). This variant has not been reported in the literature in individuals affected with PACS1-related conditions. Advanced modeling of protein sequence and biophysical properties (such as structural, functional, and spatial information, amino acid conservation, physicochemical variation, residue mobility, and thermodynamic stability) performed at Invitae indicates that this missense variant is not expected to disrupt PACS1 protein function. In summary, the available evidence is currently insufficient to determine the role of this variant in disease. Therefore, it has been classified as a Variant of Uncertain Significance.